The following is an entry in ClinVar:

ClinVar aggregate classification (germline): Uncertain significance (1 of 4 stars; one submission).

Conditions:
Arrhythmogenic right ventricular cardiomyopathy (ARVD). Also called: Arrhythmogenic right ventricular dysplasia; Cardiomyopathy, ARVC; Arrhythmogenic cardiomyopathy; Arrhythmogenic Right Ventricular Cardiomyopathy (ARVC). Identifiers: Orphanet 247, MedGen C0349788, MeSH D019571, MONDO:0016587. Disease mechanism: loss of function. Inheritance: Various modes of inheritance.

gnomAD v4.1: 1 of 1,614,006 alleles (0.000062%); no homozygotes.

Submission:

All of Us Research Program, National Institutes of Health
Classification: Uncertain significance for Arrhythmogenic right ventricular cardiomyopathy. Last evaluated: 2023-09-17. Review status: criteria provided, single submitter. Criteria: ACMG Guidelines, 2015. Collection method: clinical testing. Allele origin: germline. Inheritance: Autosomal dominant inheritance. Observed: 1 variant allele, 1 heterozygote.
Comment: This missense variant replaces valine with glycine at codon 340 of the DSG2 protein. Computational prediction suggests that this variant may not impact protein structure and function (internally defined REVEL score threshold <= 0.5, PMID: 27666373). To our knowledge, functional studies have not been reported for this variant. This variant has not been reported in individuals affected with DSG2-related disorders in the literature. This variant has not been identified in the general population by the Genome Aggregation Database (gnomAD). The available evidence is insufficient to determine the role of this variant in disease conclusively. Therefore, this variant is classified as a Variant of Uncertain Significance.

This study involves interpretation of variants in research participants for the purpose of population health screening. Participant phenotype was not available at the time of variant classification. Additional details can be found in publication PMID: 35346344, PMCID: PMC8962531

NM_001943.5(DSG2):c.1019T>G (p.Val340Gly)

Gene: DSG2 (desmoglein 2; plus strand). Cytogenetic location: 18q12.1.
Variant type: single nucleotide variant.
Coding change: c.1019T>G on transcript NM_001943.5 (MANE Select); coding-DNA position 1019, T replaced by G.
Protein change: p.Val340Gly; replaces valine 340 with glycine.
Molecular consequence: missense variant.
Genome position (GRCh38, 1-based): chr18:31,530,991, T>G. VCF-style: chr18-31530991-T-G. GRCh37 (hg19) VCF-style: chr18-29110954-T-G.
Other names: short protein forms V340G.
Identifiers: ClinVar variation 3073406 (VCV003073406.1), dbSNP rs766760971, ClinGen allele CA402137875.